The following is an entry in ClinVar:

NM_000435.3(NOTCH3):c.3328-8C>A

Gene: NOTCH3 (notch receptor 3; minus strand). Cytogenetic location: 19p13.12.
Variant type: single nucleotide variant.
Coding change: c.3328-8C>A on transcript NM_000435.3 (MANE Select); 8 bases into the intron before coding-DNA position 3328, C replaced by A.
Molecular consequence: intron variant.
Genome position (GRCh38, 1-based): chr19:15,179,504, G>T on the plus strand (C>A on the coding strand, the complement: NOTCH3 is on the minus strand). VCF-style: chr19-15179504-G-T. GRCh37 (hg19) VCF-style: chr19-15290315-G-T.
Other names: p.?.
Identifiers: ClinVar variation 772634 (VCV000772634.54), dbSNP rs200360207, ClinGen allele CA9263109.
Genomic context (GRCh38, chr19:15,179,504, plus strand): 5'-GCACACTCGTCCACGTCGTCCTCACAGTTATCACCATTGTAGCCAGGAAGACACTTCAGT[G>T]GGGTAAGAGAGGGACCCACTCAGCTTAGTGGGACACAGACCCACCTGGACATACCCATGA-3'

ClinVar aggregate classification (germline): Benign/Likely benign. Review status: criteria provided, multiple submitters, no conflicts (2 of 4 stars). 9 submissions from 9 submitters: Benign (1); Likely benign (7). 1 of the submissions does not count toward it. Last evaluated 2026-06-01.

Conditions:
Cerebral arteriopathy, autosomal dominant, with subcortical infarcts and leukoencephalopathy, type 1 (CADASIL1). Also called: Cerebral arteriopathy with subcortical infarcts and leukoencephalopathy 1; CADASIL 1; CASIL; DEMENTIA, HEREDITARY MULTIINFARCT TYPE. Identifiers: Orphanet 136, MedGen C4551768, MONDO:0000914, OMIM 125310.
Lateral meningocele syndrome (LMNS). Also called: NOTCH3-Related Lateral Meningocele Syndrome. Identifiers: Orphanet 2789, MedGen C1851710, MONDO:0007537, OMIM 130720.
Myofibromatosis, infantile, 2. Identifiers: Orphanet 2591, MedGen C3809084, MONDO:0014122, OMIM 615293.
NOTCH3-related disorder. Also called: NOTCH3-related condition; NOTCH3-related disorders.

Allele frequency attached by ClinVar (database versions not stated): ESP Exome Variant Server 0.00008; 1000 Genomes Project 30x 0.00016; gnomAD 0.00016 and 0.00017; ExAC 0.00017; 1000 Genomes Project 0.00020; gnomAD exomes 0.00021; TOPMed 0.00021.

Submissions (9):

CeGaT Center for Human Genetics Tuebingen
Classification: Likely benign. Last evaluated: 2026-06-01. Review status: criteria provided, single submitter. Criteria: CeGaT Center For Human Genetics Tuebingen Variant Classification Criteria Version 2. Collection method: clinical testing. Allele origin: germline. Affected: yes. Observed: 3 variant alleles.
Comment: NOTCH3: BP4, BS2

Labcorp Genetics (formerly Invitae), Labcorp
Classification: Likely benign. Last evaluated: 2025-10-13. Review status: criteria provided, single submitter. Criteria: Invitae Variant Classification Sherloc (09022015). Collection method: clinical testing. Allele origin: germline.

Women's Health and Genetics/Laboratory Corporation of America, LabCorp
Classification: Likely benign. Last evaluated: 2025-09-04. Review status: criteria provided, single submitter. Criteria: LabCorp Variant Classification Summary - May 2015. Collection method: clinical testing. Allele origin: germline.
Comment: Variant summary: NOTCH3 c.3328-8C>A alters a non-conserved nucleotide located at a position not widely known to affect splicing. Consensus agreement among computation tools predict no significant impact on normal splicing. However, these predictions have yet to be confirmed by functional studies. The variant allele was found at a frequency of 0.00021 in 250684 control chromosomes. The observed variant frequency exceeds the estimated maximal expected allele frequency for disease-causing variants in NOTCH3. To our knowledge, no occurrence of c.3328-8C>A in individuals affected with NOTCH3-related conditions and no experimental evidence demonstrating its impact on protein function have been reported. ClinVar contains an entry for this variant (Variation ID: 772634). Based on the evidence outlined above, the variant was classified as likely benign.

Mayo Clinic Laboratories, Mayo Clinic
Classification: Likely benign. Last evaluated: 2025-06-27. Review status: criteria provided, single submitter. Criteria: ACMG Guidelines, 2015. Collection method: clinical testing. Allele origin: germline. Observed: 2 variant alleles.
Comment: BS2, BP4, BP7

Athena Diagnostics
Classification: Benign. Last evaluated: 2025-02-25. Review status: criteria provided, single submitter. Criteria: Athena Diagnostics Criteria. Collection method: clinical testing. Allele origin: unknown.
Comment: The frequency of this variant in the general population is higher than would generally be expected for pathogenic variants in this gene. This nucleotide position exhibits low evolutionary conservation. This variant has been seen where an alternate explanation for disease was also identified.

Blueprint Genetics
Classification: Likely benign. Last evaluated: 2024-08-12. Review status: criteria provided, single submitter. Criteria: ACMG Guidelines, 2015. Collection method: clinical testing. Allele origin: germline.

Fulgent Genetics
Classification: Likely benign for Cerebral arteriopathy, autosomal dominant, with subcortical infarcts and leukoencephalopathy, type 1; Lateral meningocele syndrome; Myofibromatosis, infantile, 2. Last evaluated: 2021-08-24. Review status: criteria provided, single submitter. Criteria: ACMG Guidelines, 2015. Collection method: clinical testing. Allele origin: unknown.

ARUP Laboratories, Molecular Genetics and Genomics, ARUP Laboratories
Classification: Likely benign. Last evaluated: 2019-08-30. Review status: criteria provided, single submitter. Criteria: ARUP Molecular Germline Variant Investigation Process. Collection method: clinical testing. Allele origin: germline.

PreventionGenetics, part of Exact Sciences
Classification: Likely benign for NOTCH3-related condition. Last evaluated: 2019-05-28. Review status: no assertion criteria provided. Collection method: clinical testing. Allele origin: germline. Not counted in ClinVar's aggregate classification.
Comment: This variant is classified as likely benign based on ACMG/AMP sequence variant interpretation guidelines (Richards et al. 2015 PMID: 25741868, with internal and published modifications).